The following is an entry in ClinVar:

NM_003458.4(BSN):c.7884C>T (p.Arg2628=)

Gene: BSN (bassoon presynaptic cytomatrix protein; plus strand). Cytogenetic location: 3p21.31.
Variant type: single nucleotide variant.
Coding change: c.7884C>T on transcript NM_003458.4 (MANE Select); coding-DNA position 7884, C replaced by T.
Protein change: p.Arg2628=; no amino-acid change (arginine 2628 retained).
Molecular consequence: synonymous variant.
Genome position (GRCh38, 1-based): chr3:49,657,440, C>T. VCF-style: chr3-49657440-C-T. GRCh37 (hg19) VCF-style: chr3-49694873-C-T.
Identifiers: ClinVar variation 2653837 (VCV002653837.24), dbSNP rs1196698164, ClinGen allele CA433845034.
Genomic context (GRCh38, chr3:49,657,440, plus strand): 5'-TGACTGCAGTGTGCAGACGGACGACGAAGACAGTGCTGAGTGGGAGCAGCCAGTGCGCCG[C>T]CGCAGGTCTCGTCTTCCCCGCCACTCAGACTCAGGCTCTGACAGCAAGCACGATGCCACT-3'
Protein context (NP_003449.2, residues 2618-2638): DSAEWEQPVR[Arg2628=]RRSRLPRHSD

ClinVar aggregate classification (germline): Likely benign (1 of 4 stars; one submission).

gnomAD v4.1: 5 of 1,612,886 alleles (0.00031%); highest among the groups gnomAD compares: Non-Finnish European, 0.00042%; no homozygotes.

Submission:

CeGaT Center for Human Genetics Tuebingen
Classification: Likely benign. Last evaluated: 2022-04-01. Review status: criteria provided, single submitter. Criteria: CeGaT Center For Human Genetics Tuebingen Variant Classification Criteria Version 2. Collection method: clinical testing. Allele origin: germline. Affected: yes. Observed: 1 variant allele.
Comment: BSN: BP4, BP7